The following is an entry in ClinVar:

NM_000169.3(GLA):c.395G>C (p.Gly132Ala)

Genes: GLA (galactosidase alpha; minus strand), RPL36A-HNRNPH2 (RPL36A-HNRNPH2 readthrough; plus strand). Cytogenetic location: Xq22.1.
Variant type: single nucleotide variant.
Coding change: c.395G>C on transcript NM_000169.3 (MANE Select); coding-DNA position 395, G replaced by C.
Protein change: p.Gly132Ala; replaces glycine 132 with alanine.
Molecular consequence: missense variant. On other transcripts: non-coding transcript variant (3), intron variant (2).
Genome position (GRCh38, 1-based): chrX:101,401,784, C>G on the plus strand (G>C on the coding strand, the complement: GLA is on the minus strand). VCF-style: chrX-101401784-C-G. GRCh37 (hg19) VCF-style: chrX-100656772-C-G.
Other names: c.518G>C, p.Gly173Ala (NM_001406747.1, NM_001406749.1); c.395G>C, p.Gly132Ala (NM_001406748.1); c.300+6327C>G (NM_001199973.2); c.177+9962C>G (NM_001199974.2); short protein forms G132A, G173A.
Identifiers: ClinVar variation 4087356 (VCV004087356.2).

ClinVar aggregate classification (germline): Pathogenic (1 of 4 stars; one submission).

Conditions:
Fabry disease. Also called: ALPHA-GALACTOSIDASE A DEFICIENCY; ANDERSON-FABRY DISEASE; CERAMIDE TRIHEXOSIDASE DEFICIENCY; GLA DEFICIENCY; HEREDITARY DYSTOPIC LIPIDOSIS; Angiokeratoma corporis diffusum. Identifiers: Orphanet 324, MedGen C0002986, MONDO:0010526, OMIM 301500, HP:0001071. Disease mechanism: Fabry disease is due to inactivating mutations in the X-linked GLA gene resulting in deficiency of the enzyme Alpha Galactosidase-A., loss of function.

Submission:

Genomenon, Inc
Classification: Pathogenic for Fabry disease. Last evaluated: 2026-09-08. Review status: criteria provided, single submitter. Criteria: Genomenon Sequence Variant Interpretation Standards - Updated. Collection method: curation. Allele origin: germline. Affected: yes.
Comment: GLA p.Gly132Ala (c.395G>C) is a missense variant that changes the amino acid at codon 132 from Glycine to Alanine. This variant has been observed in at least one proband with clinical features consistent with Fabry disease (PMID:31770509). At least one functional study has demonstrated a substantial alteration in protein function relative to the wild-type (PMID:27657681). This variant is located in a mutational hotspot and/or important functional domain. It is absent or not present at a significant frequency in gnomAD. In silico models predict that this variant is possibly or probably damaging. In conclusion, we classify GLA p.Gly132Ala (c.395G>C) as a pathogenic variant.

Literature cited by the submitters: PubMed 31770509; PubMed 27657681.